The following is an entry in ClinVar:

NM_001282531.3(ADNP):c.2157C>T (p.Tyr719=)

Gene: ADNP (activity dependent neuroprotector homeobox; minus strand). Cytogenetic location: 20q13.13.
Variant type: single nucleotide variant.
Coding change: c.2157C>T on transcript NM_001282531.3 (MANE Select); coding-DNA position 2157, C replaced by T.
Protein change: p.Tyr719=; no amino-acid change (tyrosine 719 retained).
Molecular consequence: synonymous variant.
Genome position (GRCh38, 1-based): chr20:50,892,557, G>A on the plus strand (C>T on the coding strand, the complement: ADNP is on the minus strand). VCF-style: chr20-50892557-G-A. GRCh37 (hg19) VCF-style: chr20-49509094-G-A.
Other names: c.2157C>T, p.Tyr719= (NM_001282532.2, NM_001347511.2, NM_015339.5 and 1 more transcripts); c.2157C>T (NM_001282531.2).
Identifiers: ClinVar variation 799506 (VCV000799506.32), dbSNP rs587777526, ClinGen allele CA9908631.

ClinVar aggregate classification (germline): Likely benign. Review status: criteria provided, multiple submitters, no conflicts (2 of 4 stars). 3 submissions from 3 submitters: Likely benign (3). Last evaluated 2025-11-04.

Conditions:
ADNP-related disorder. Also called: ADNP-related condition.

Allele frequency attached by ClinVar (database versions not stated): gnomAD 0.00001; ExAC 0.00002; gnomAD exomes 0.00002; TOPMed 0.00002.
gnomAD v4.1: 38 of 1,614,044 alleles (0.0024%); highest among the groups gnomAD compares: Middle Eastern, 0.016%; no homozygotes.

Submissions (3):

PreventionGenetics, part of Exact Sciences
Classification: Likely benign for ADNP-related condition. Last evaluated: 2025-11-04. Review status: criteria provided, single submitter. Criteria: ACMG Guidelines, 2015. Collection method: clinical testing. Allele origin: germline.
Comment: This variant is classified as likely benign based on ACMG/AMP sequence variant interpretation guidelines (Richards et al. 2015 PMID: 25741868, with internal and published modifications).

Labcorp Genetics (formerly Invitae), Labcorp
Classification: Likely benign. Last evaluated: 2025-08-29. Review status: criteria provided, single submitter. Criteria: Invitae Variant Classification Sherloc (09022015). Collection method: clinical testing. Allele origin: germline.

CeGaT Center for Human Genetics Tuebingen
Classification: Likely benign. Last evaluated: 2023-03-01. Review status: criteria provided, single submitter. Criteria: CeGaT Center For Human Genetics Tuebingen Variant Classification Criteria Version 2. Collection method: clinical testing. Allele origin: germline. Affected: yes. Observed: 1 variant allele.
Comment: ADNP: BP4, BP7